The following is an entry in ClinVar:

ClinVar aggregate classification (germline): Uncertain significance (1 of 4 stars; one submission).

Conditions:
Muscular dystrophy-dystroglycanopathy (congenital with brain and eye anomalies), type A14. Also called: Congenital muscular dystrophy-dystroglycanopathy with brain and eye anomalies, type A14; WALKER-WARBURG SYNDROME OR MUSCLE-EYE-BRAIN DISEASE, GMPPB-RELATED; Muscular dystrophy-dystroglycanopathy (congenital with brain and eye anomalies), type a, 14; Congenital Muscular Dystrophy-Dystroglycanopathy with Brain and Eye Anomalies Type A 14. Identifiers: Orphanet 588, MedGen C3809216, MONDO:0014140, OMIM 615350.
Muscular dystrophy-dystroglycanopathy (congenital with impaired intellectual development), type B, 14. Also called: Congenital muscular dystrophy-dystroglycanopathy with mental retardation, type B14; MUSCULAR DYSTROPHY, CONGENITAL, GMPPB-RELATED; Muscular dystrophy-dystroglycanopathy (congenital with intellectual disability), type B14. Identifiers: MedGen C3809221, MONDO:0014141, OMIM 615351.
Autosomal recessive limb-girdle muscular dystrophy type 2T. Also called: Limb-girdle muscular dystrophy-dystroglycanopathy, type C14; MUSCULAR DYSTROPHY-DYSTROGLYCANOPATHY, LIMB-GIRDLE, GMPPB-RELATED; MUSCULAR DYSTROPHY, LIMB-GIRDLE, TYPE 2T; Muscular dystrophy-dystroglycanopathy (limb-girdle), type c, 14. Identifiers: Orphanet 363623, MedGen C4518000, MONDO:0014142, OMIM 615352.

Submission:

Labcorp Genetics (formerly Invitae), Labcorp
Classification: Uncertain significance for Autosomal recessive limb-girdle muscular dystrophy type 2T; Muscular dystrophy-dystroglycanopathy (congenital with brain and eye anomalies), type A14; Muscular dystrophy-dystroglycanopathy (congenital with impaired intellectual development), type B, 14. Last evaluated: 2022-05-31. Review status: criteria provided, single submitter. Criteria: Invitae Variant Classification Sherloc (09022015). Collection method: clinical testing. Allele origin: germline.
Comment: In summary, the available evidence is currently insufficient to determine the role of this variant in disease. Therefore, it has been classified as a Variant of Uncertain Significance. Algorithms developed to predict the effect of sequence changes on RNA splicing suggest that this variant may disrupt the consensus splice site. ClinVar contains an entry for this variant (Variation ID: 856278). This sequence change falls in intron 6 of the GMPPB gene. It does not directly change the encoded amino acid sequence of the GMPPB protein. This variant has not been reported in the literature in individuals affected with GMPPB-related conditions. This variant is not present in population databases (gnomAD no frequency).

NM_021971.4(GMPPB):c.641-19_641-9del

Gene: GMPPB (GDP-mannose pyrophosphorylase B; minus strand). Cytogenetic location: 3p21.31.
Variant type: Deletion.
Coding change: c.641-19_641-9del on transcript NM_021971.4 (MANE Select); 19 bases into the intron before coding-DNA position 641 through 9 bases into the intron before coding-DNA position 641, 11 bases deleted (GATGCATCCCT).
Molecular consequence: intron variant.
Genome position (GRCh38, 1-based): chr3:49,722,367-49,722,377, AGGGATGCATC deleted on the plus strand (GATGCATCCCT on the coding strand, the reverse complement: GMPPB is on the minus strand); deleting any 11 consecutive bases within chr3:49,722,367-49,722,381 gives the same sequence; the c. name uses the placement nearest the transcript's 3' end. VCF-style (leftmost placement, unchanged base first): chr3-49722366-GAGGGATGCATC-G. GRCh37 (hg19) VCF-style: chr3-49759799-GAGGGATGCATC-G.
Other names: c.641-19_641-9del (NM_013334.4).
Identifiers: ClinVar variation 856278 (VCV000856278.7), dbSNP rs2080428796, ClinGen allele CA916082576.